The following is an entry in ClinVar:

ClinVar aggregate classification (germline): Conflicting classifications of pathogenicity. Review status: criteria provided, conflicting classifications (1 of 4 stars). 7 submissions from 7 submitters: Uncertain significance (6); Likely benign (1). Last evaluated 2025-03-14.

Conditions:
Colorectal cancer. Also called: Malignant Colorectal Neoplasm; Colorectal cancer, somatic. Identifiers: MedGen C0346629, MONDO:0005575, OMIM 114500.
Oligodontia-cancer predisposition syndrome. Also called: TOOTH AGENESIS-COLORECTAL CANCER SYNDROME. Identifiers: Orphanet 300576, MedGen C1837750, MONDO:0012075, OMIM 608615. Disease mechanism: loss of function.
Hereditary cancer-predisposing syndrome. Also called: Hereditary neoplastic syndrome; Hereditary Cancer Syndrome; Neoplastic Syndromes, Hereditary; Tumor predisposition. Identifiers: Orphanet 140162, MedGen C0027672, MeSH D009386, MONDO:0015356.

Allele frequency attached by ClinVar (database versions not stated): TOPMed 0.00001; gnomAD exomes 0.00002 and 0.00003; ExAC 0.00003; gnomAD 0.00003.
gnomAD v4.1: 39 of 1,613,064 alleles (0.0024%); highest among the groups gnomAD compares: Non-Finnish European, 0.0031%; no homozygotes.

Submissions (8):

GeneDx
Classification: Uncertain significance. Last evaluated: 2025-03-14. Review status: criteria provided, single submitter. Criteria: GeneDx Variant Classification Process June 2021. Collection method: clinical testing. Allele origin: germline. Affected: yes.
Comment: In silico analysis supports that this missense variant has a deleterious effect on protein structure/function; In silico analysis suggests this variant may impact gene splicing. In the absence of RNA/functional studies, the actual effect of this sequence change is unknown.; Has not been previously published as pathogenic or benign to our knowledge

Labcorp Genetics (formerly Invitae), Labcorp
Classification: Uncertain significance for Oligodontia-cancer predisposition syndrome. Last evaluated: 2025-01-31. Review status: criteria provided, single submitter. Criteria: Invitae Variant Classification Sherloc (09022015). Collection method: clinical testing. Allele origin: germline.
Comment: This sequence change replaces histidine, which is basic and polar, with arginine, which is basic and polar, at codon 635 of the AXIN2 protein (p.His635Arg). This variant is present in population databases (rs775207779, gnomAD 0.006%). This variant has not been reported in the literature in individuals affected with AXIN2-related conditions. ClinVar contains an entry for this variant (Variation ID: 234541). Invitae Evidence Modeling of protein sequence and biophysical properties (such as structural, functional, and spatial information, amino acid conservation, physicochemical variation, residue mobility, and thermodynamic stability) indicates that this missense variant is not expected to disrupt AXIN2 protein function with a negative predictive value of 80%. RNA analysis performed to evaluate the impact of this missense change on mRNA splicing indicates it does not significantly alter splicing (internal data). In summary, the available evidence is currently insufficient to determine the role of this variant in disease. Therefore, it has been classified as a Variant of Uncertain Significance.

Ambry Genetics
Classification: Likely benign for Hereditary cancer-predisposing syndrome. Last evaluated: 2024-12-26. Review status: criteria provided, single submitter. Criteria: Ambry Variant Classification Scheme 2023. Collection method: clinical testing. Allele origin: germline.

Quest Diagnostics Nichols Institute San Juan Capistrano
Classification: Uncertain significance. Last evaluated: 2024-11-03. Review status: criteria provided, single submitter. Criteria: Quest Diagnostics criteria. Collection method: clinical testing. Allele origin: unknown.
Comment: The AXIN2 c.1904A>G (p.His635Arg) variant has not been reported in individuals with AXIN2-related conditions in the published literature. The frequency of this variant in the general population, 0.000062 (8/128558 chromosomes (Genome Aggregation Database)), is uninformative in the assessment of its pathogenicity. Analysis of this variant using bioinformatics tools for the prediction of the effect of amino acid changes on protein structure and function yielded predictions that this variant is benign. Based on the available information, we are unable to determine the clinical significance of this variant.

Baylor Genetics
Classification: Uncertain significance for Colorectal cancer. Last evaluated: 2024-03-05. Review status: criteria provided, single submitter. Criteria: ACMG Guidelines, 2015. Collection method: clinical testing. Allele origin: unknown.

St. Jude Molecular Pathology, St. Jude Children's Research Hospital
Classification: Uncertain significance for Oligodontia-cancer predisposition syndrome. Last evaluated: 2024-01-23. Review status: criteria provided, single submitter. Criteria: St. Jude Assertion Criteria 2020. Collection method: clinical testing. Allele origin: germline.
Comment: The AXIN2 c.1904A>G (p.His635Arg) change has a maximum subpopulation frequency of 0.0062% in gnomAD v2.1.1. The in silico tool REVEL predicts a benign effect on protein function, but this prediction has not been confirmed by functional studies. This variant has not been reported in individuals with oligodontia-cancer predisposition syndrome. In summary, the evidence currently available is insufficient to determine the clinical significance of this variant. It has therefore been classified as of uncertain significance.

Fulgent Genetics
Classification: Uncertain significance for Colorectal cancer; Oligodontia-cancer predisposition syndrome. Last evaluated: 2022-04-09. Review status: criteria provided, single submitter. Criteria: ACMG Guidelines, 2015. Collection method: clinical testing. Allele origin: unknown.

Dr. Peter K. Rogan Lab, Western University
No classification provided (evidence only). Condition: Thyroid cancer, nonmedullary, 1. Review status: no classification provided. Collection method: in vitro. Allele origin: not applicable. Functional consequence: skipped exon. Not counted in ClinVar's aggregate classification.

NM_004655.4(AXIN2):c.1904A>G (p.His635Arg)

Gene: AXIN2 (axin 2; minus strand). Cytogenetic location: 17q24.1.
Variant type: single nucleotide variant.
Coding change: c.1904A>G on transcript NM_004655.4 (MANE Select); coding-DNA position 1904, A replaced by G.
Protein change: p.His635Arg; replaces histidine 635 with arginine.
Molecular consequence: missense variant. On other transcripts: intron variant (1).
Genome position (GRCh38, 1-based): chr17:65,536,872, T>C on the plus strand (A>G on the coding strand, the complement: AXIN2 is on the minus strand). VCF-style: chr17-65536872-T-C. GRCh37 (hg19) VCF-style: chr17-63532990-T-C.
Other names: c.1904A>G (LRG_296t1); c.1713-319A>G (NM_001363813.1); short protein forms H635R.
Identifiers: ClinVar variation 234541 (VCV000234541.23), dbSNP rs775207779, ClinGen allele CA8718497.